The following is an entry in ClinVar:

ClinVar aggregate classification (germline): Pathogenic. Review status: no assertion criteria provided (0 of 4 stars). 2 submissions from 2 submitters: Pathogenic (1). 1 of the submissions does not count toward it.

Conditions:
Amyotrophic lateral sclerosis type 19. Identifiers: Orphanet 803, MedGen C3715155, MONDO:0014223, OMIM 615515.

Allele frequency attached by ClinVar (database versions not stated): gnomAD 0.00001; gnomAD exomes 0.00002; ExAC 0.00002.
gnomAD v4.1: 35 of 1,612,914 alleles (0.0022%); highest among the groups gnomAD compares: African/African-American, 0.0027%; no homozygotes.

Submissions (2):

Department of Neurology The University of Tokyo, Graduate School of Medicine
Classification: Pathogenic. Review status: no assertion criteria provided. Collection method: not provided. Allele origin: germline.
Comment: A casative mutation for ALS19 identified in two independent familial ALS pedigrees.
ClinVar note: Converted during submission from pathogenic to Pathogenic.

OMIM
Classification: Pathogenic for AMYOTROPHIC LATERAL SCLEROSIS 19. Last evaluated: 2013-11-07. Review status: flagged submission. Collection method: literature only. Allele origin: germline. Not counted in ClinVar's aggregate classification.
ClinVar note: Notes: Flagging candidate with reason of insufficient supporting evidence. This gene has been classified as having a limited gene-disease relationship by a ClinGen Expert Panel.
ClinVar note: Reason: Other

Literature cited by the submitters: PubMed 24119685 (cited by OMIM).

NM_005235.3(ERBB4):c.2780G>A (p.Arg927Gln)

Gene: ERBB4 (erb-b2 receptor tyrosine kinase 4; minus strand). Cytogenetic location: 2q34.
Variant type: single nucleotide variant.
Coding change: c.2780G>A on transcript NM_005235.3 (MANE Select); coding-DNA position 2780, G replaced by A.
Protein change: p.Arg927Gln; replaces arginine 927 with glutamine.
Molecular consequence: missense variant.
Genome position (GRCh38, 1-based): chr2:211,424,241, C>T on the plus strand (G>A on the coding strand, the complement: ERBB4 is on the minus strand). VCF-style: chr2-211424241-C-T. GRCh37 (hg19) VCF-style: chr2-212288966-C-T.
Other names: c.2780G>A, p.Arg927Gln (NM_001042599.2); short protein forms R927Q.
Identifiers: ClinVar variation 64625 (VCV000064625.2), dbSNP rs397514262, ClinGen allele CA216500.